The following is an entry in ClinVar:

NM_025150.5(TARS2):c.1238+73G>A

Gene: TARS2 (threonyl-tRNA synthetase 2, mitochondrial; plus strand). Cytogenetic location: 1q21.2.
Variant type: single nucleotide variant.
Coding change: c.1238+73G>A on transcript NM_025150.5 (MANE Select); 73 bases into the intron after coding-DNA position 1238, G replaced by A.
Molecular consequence: intron variant.
Genome position (GRCh38, 1-based): chr1:150,497,820, G>A. VCF-style: chr1-150497820-G-A. GRCh37 (hg19) VCF-style: chr1-150470296-G-A.
Other names: c.992+73G>A (NM_001271895.2); c.848+73G>A (NM_001271896.2).
Identifiers: ClinVar variation 676427 (VCV000676427.2), dbSNP rs11588874, ClinGen allele CA10738835.
Genomic context (GRCh38, chr1:150,497,820, plus strand): 5'-CTAGGGTTACAATCAGGTTGCTAAATATTAAATAATAGAAAGCACCTTGGGGCCGGGCAC[G>A]GTGGCTCACGCCTGTAATCCCAACACTTTGGGAGGCCGAGGCGGGCGGATCACCTGAGGT-3'

ClinVar aggregate classification (germline): Benign. Review status: criteria provided, multiple submitters, no conflicts (2 of 4 stars). 2 submissions from 2 submitters: Benign (2). Last evaluated 2018-06-14.

Allele frequency attached by ClinVar (database versions not stated): 1000 Genomes Project 0.16294; 1000 Genomes Project 30x 0.16849; gnomAD exomes 0.20020; TOPMed 0.21720; gnomAD 0.22220 and 0.23103.
gnomAD v4.1: 295,644 of 1,465,964 alleles (20%); highest among the groups gnomAD compares: African/African-American, 32%; 32,457 homozygotes.

Submissions (2):

GeneDx
Classification: Benign. Last evaluated: 2018-06-14. Review status: criteria provided, single submitter. Criteria: GeneDx Variant Classification (06012015). Collection method: clinical testing. Allele origin: germline. Affected: yes.
Comment: This variant is considered likely benign or benign based on one or more of the following criteria: it is a conservative change, it occurs at a poorly conserved position in the protein, it is predicted to be benign by multiple in silico algorithms, and/or has population frequency not consistent with disease.

Breakthrough Genomics
Classification: Benign. Review status: criteria provided, single submitter. Criteria: ACMG Guidelines, 2015. Collection method: not provided. Allele origin: germline. Inheritance: Autosomal recessive inheritance. Affected: yes.